The following is an entry in ClinVar:

NM_014920.5(CILK1):c.1531A>G (p.Lys511Glu)

Gene: CILK1 (ciliogenesis associated kinase 1; minus strand). Cytogenetic location: 6p12.1.
Variant type: single nucleotide variant.
Coding change: c.1531A>G on transcript NM_014920.5 (MANE Select); coding-DNA position 1531, A replaced by G.
Protein change: p.Lys511Glu; replaces lysine 511 with glutamic acid.
Molecular consequence: missense variant. On other transcripts: non-coding transcript variant (1).
Genome position (GRCh38, 1-based): chr6:53,009,529, T>C on the plus strand (A>G on the coding strand, the complement: CILK1 is on the minus strand). VCF-style: chr6-53009529-T-C. GRCh37 (hg19) VCF-style: chr6-52874327-T-C.
Other names: c.1552A>G, p.Lys518Glu (NM_001375397.1); c.1531A>G, p.Lys511Glu (NM_001375398.1, NM_001375399.1, NM_001375400.1 and 3 more transcripts); short protein forms K511E, K518E.
Identifiers: ClinVar variation 2068956 (VCV002068956.5), dbSNP rs775630827, ClinGen allele CA3858517.

ClinVar aggregate classification (germline): Uncertain significance. Review status: criteria provided, multiple submitters, no conflicts (2 of 4 stars). 2 submissions from 2 submitters: Uncertain significance (2). Last evaluated 2024-10-07.

Allele frequency attached by ClinVar (database versions not stated): gnomAD 0.00001; ExAC 0.00002; TOPMed 0.00003.
gnomAD v4.1: 51 of 1,612,230 alleles (0.0032%); highest among the groups gnomAD compares: Non-Finnish European, 0.0041%; no homozygotes.

Submissions (2):

Labcorp Genetics (formerly Invitae), Labcorp
Classification: Uncertain significance. Last evaluated: 2024-10-07. Review status: criteria provided, single submitter. Criteria: Invitae Variant Classification Sherloc (09022015). Collection method: clinical testing. Allele origin: germline.
Comment: This sequence change replaces lysine, which is basic and polar, with glutamic acid, which is acidic and polar, at codon 511 of the ICK protein (p.Lys511Glu). This variant is present in population databases (rs775630827, gnomAD 0.006%). This variant has not been reported in the literature in individuals affected with ICK-related conditions. ClinVar contains an entry for this variant (Variation ID: 2068956). Invitae Evidence Modeling of protein sequence and biophysical properties (such as structural, functional, and spatial information, amino acid conservation, physicochemical variation, residue mobility, and thermodynamic stability) indicates that this missense variant is not expected to disrupt ICK protein function with a negative predictive value of 80%. In summary, the available evidence is currently insufficient to determine the role of this variant in disease. Therefore, it has been classified as a Variant of Uncertain Significance.

Blueprint Genetics
Classification: Uncertain significance. Last evaluated: 2023-05-08. Review status: criteria provided, single submitter. Criteria: ACMG Guidelines, 2015. Collection method: clinical testing. Allele origin: germline.